The following is an entry in ClinVar:

NM_006859.4(LIAS):c.394-6T>C

Gene: LIAS (lipoic acid synthetase; plus strand). Cytogenetic location: 4p14.
Variant type: single nucleotide variant.
Coding change: c.394-6T>C on transcript NM_006859.4 (MANE Select); 6 bases into the intron before coding-DNA position 394, T replaced by C.
Molecular consequence: intron variant.
Genome position (GRCh38, 1-based): chr4:39,465,040, T>C. VCF-style: chr4-39465040-T-C. GRCh37 (hg19) VCF-style: chr4-39466660-T-C.
Other names: c.394-6T>C (NM_194451.3, NM_001278590.2); c.299+1435T>C (NM_001363700.2).
Identifiers: ClinVar variation 835575 (VCV000835575.8), dbSNP rs1744704251, ClinGen allele CA916082642.

ClinVar aggregate classification (germline): Uncertain significance (1 of 4 stars; one submission).

Conditions:
Lipoic acid synthetase deficiency. Also called: HYPERGLYCINEMIA, LACTIC ACIDOSIS, AND SEIZURES. Identifiers: Orphanet 401859, MedGen C3280887, MONDO:0013762, OMIM 614462.

Submission:

Labcorp Genetics (formerly Invitae), Labcorp
Classification: Uncertain significance for Lipoic acid synthetase deficiency. Last evaluated: 2019-08-09. Review status: criteria provided, single submitter. Criteria: Invitae Variant Classification Sherloc (09022015). Collection method: clinical testing. Allele origin: germline.
Comment: This sequence change falls in intron 4 of the LIAS gene. It does not directly change the encoded amino acid sequence of the LIAS protein. In summary, the available evidence is currently insufficient to determine the role of this variant in disease. Therefore, it has been classified as a Variant of Uncertain Significance. Algorithms developed to predict the effect of sequence changes on RNA splicing suggest that this variant may disrupt the consensus splice site, but this prediction has not been confirmed by published transcriptional studies. This variant has not been reported in the literature in individuals with LIAS-related conditions. This variant is not present in population databases (ExAC no frequency).